The following is an entry in ClinVar:

ClinVar aggregate classification (germline): Uncertain significance (1 of 4 stars; one submission).

gnomAD v4.1: 4 of 1,614,080 alleles (0.00025%); highest among the groups gnomAD compares: African/African-American, 0.0027%; no homozygotes.

Submission:

Labcorp Genetics (formerly Invitae), Labcorp
Classification: Uncertain significance. Last evaluated: 2021-08-30. Review status: criteria provided, single submitter. Criteria: Invitae Variant Classification Sherloc (09022015). Collection method: clinical testing. Allele origin: germline.
Comment: This sequence change replaces serine with arginine at codon 1273 of the DUOX2 protein (p.Ser1273Arg). The serine residue is weakly conserved and there is a moderate physicochemical difference between serine and arginine. This variant is present in population databases (rs750148604, ExAC 0.001%). This variant has not been reported in the literature in individuals affected with DUOX2-related conditions. Advanced modeling of protein sequence and biophysical properties (such as structural, functional, and spatial information, amino acid conservation, physicochemical variation, residue mobility, and thermodynamic stability) performed at Invitae indicates that this missense variant is not expected to disrupt DUOX2 protein function. In summary, the available evidence is currently insufficient to determine the role of this variant in disease. Therefore, it has been classified as a Variant of Uncertain Significance.

NM_001363711.2(DUOX2):c.3819C>A (p.Ser1273Arg)

Gene: DUOX2 (dual oxidase 2; minus strand). Cytogenetic location: 15q21.1.
Variant type: single nucleotide variant.
Coding change: c.3819C>A on transcript NM_001363711.2 (MANE Select); coding-DNA position 3819, C replaced by A.
Protein change: p.Ser1273Arg; replaces serine 1273 with arginine.
Molecular consequence: missense variant.
Genome position (GRCh38, 1-based): chr15:45,097,266, G>T on the plus strand (C>A on the coding strand, the complement: DUOX2 is on the minus strand). VCF-style: chr15-45097266-G-T. GRCh37 (hg19) VCF-style: chr15-45389464-G-T.
Other names: c.3819C>A, p.Ser1273Arg (NM_014080.5); short protein forms S1273R.
Identifiers: ClinVar variation 1354675 (VCV001354675.5), dbSNP rs750148604, ClinGen allele CA7537724.